The following is an entry in ClinVar:

ClinVar aggregate classification (germline): Uncertain significance. Review status: criteria provided, multiple submitters, no conflicts (2 of 4 stars). 2 submissions from 2 submitters: Uncertain significance (2). Last evaluated 2025-05-07.

Conditions:
Muscular dystrophy-dystroglycanopathy (congenital with brain and eye anomalies), type a, 12 (MDDGA12). Also called: WALKER-WARBURG SYNDROME OR MUSCLE-EYE-BRAIN DISEASE, POMK-RELATED. Identifiers: Orphanet 899, MedGen C3808964, MONDO:0014101, OMIM 615249.
Limb-girdle muscular dystrophy due to POMK deficiency. Also called: MUSCULAR DYSTROPHY-DYSTROGLYCANOPATHY, LIMB-GIRDLE, POMK-RELATED; Muscular dystrophy-dystroglycanopathy (limb-girdle), type c, 12. Identifiers: Orphanet 445110, MedGen C4015184, MONDO:0014489, OMIM 616094.
Inborn genetic diseases. Identifiers: MedGen C0950123, MeSH D030342.

Allele frequency attached by ClinVar (database versions not stated): gnomAD 0.00001 and 0.00003; 1000 Genomes Project 0.00020; TOPMed below 0.00001; 1000 Genomes Project 30x 0.00016; gnomAD exomes 0.00010; ExAC 0.00012.
gnomAD v4.1: 94 of 1,614,216 alleles (0.0058%); highest among the groups gnomAD compares: South Asian, 0.099%; 1 homozygote.

Submissions (2):

Ambry Genetics
Classification: Uncertain significance for Inborn genetic diseases. Last evaluated: 2025-05-07. Review status: criteria provided, single submitter. Criteria: Ambry Variant Classification Scheme 2023. Collection method: clinical testing. Allele origin: germline.

Labcorp Genetics (formerly Invitae), Labcorp
Classification: Uncertain significance for Muscular dystrophy-dystroglycanopathy (congenital with brain and eye anomalies), type a, 12; Limb-girdle muscular dystrophy due to POMK deficiency. Last evaluated: 2022-08-09. Review status: criteria provided, single submitter. Criteria: Invitae Variant Classification Sherloc (09022015). Collection method: clinical testing. Allele origin: germline.
Comment: This sequence change replaces histidine, which is basic and polar, with tyrosine, which is neutral and polar, at codon 194 of the POMK protein (p.His194Tyr). This variant is present in population databases (rs565775459, gnomAD 0.08%). This variant has not been reported in the literature in individuals affected with POMK-related conditions. ClinVar contains an entry for this variant (Variation ID: 1060305). Algorithms developed to predict the effect of missense changes on protein structure and function are either unavailable or do not agree on the potential impact of this missense change (SIFT: "Tolerated"; PolyPhen-2: "Possibly Damaging"; Align-GVGD: "Class C0"). In summary, the available evidence is currently insufficient to determine the role of this variant in disease. Therefore, it has been classified as a Variant of Uncertain Significance.

NM_032237.5(POMK):c.580C>T (p.His194Tyr)

Gene: POMK (protein O-mannose kinase; plus strand). Cytogenetic location: 8p11.21.
Variant type: single nucleotide variant.
Coding change: c.580C>T on transcript NM_032237.5 (MANE Select); coding-DNA position 580, C replaced by T.
Protein change: p.His194Tyr; replaces histidine 194 with tyrosine.
Molecular consequence: missense variant.
Genome position (GRCh38, 1-based): chr8:43,122,404, C>T. VCF-style: chr8-43122404-C-T. GRCh37 (hg19) VCF-style: chr8-42977547-C-T.
Other names: c.580C>T, p.His194Tyr (NM_001277971.2); c.580C>T (NM_032237.3); short protein forms H194Y.
Identifiers: ClinVar variation 1060305 (VCV001060305.3), dbSNP rs565775459, ClinGen allele CA4736306.
Genomic context (GRCh38, chr8:43,122,404, plus strand): 5'-ACGTGGCAGCACAGGCTGGAGCTGGCCATGGACTATGTCAGCATCATTAATTACCTGCAC[C>T]ACAGCCCTGTGGGCACACGGGTCATGTGCGACTCCAACGACCTGCCGAAGACACTGTCCC-3'
Protein context (NP_115613.1, residues 184-204): DYVSIINYLH[His194Tyr]SPVGTRVMCD